The following is an entry in ClinVar:

NM_001371904.1(APOA5):c.990_993del (p.Asp332fs)

Gene: APOA5 (apolipoprotein A5; minus strand). Cytogenetic location: 11q23.3.
Variant type: Microsatellite.
Coding change: c.990_993del on transcript NM_001371904.1 (MANE Select); coding-DNA positions 990 to 993, 4 bases deleted (AACA; older notation c.990_993delAACA).
Protein change: p.Asp332fs; shifts the reading frame from aspartic acid 332.
Molecular consequence: frameshift variant.
Genome position (GRCh38, 1-based): chr11:116,790,236-116,790,239, TGTT deleted on the plus strand (AACA on the coding strand, the reverse complement: APOA5 is on the minus strand); deleting any 4 consecutive bases within chr11:116,790,236-116,790,243 gives the same sequence; the c. name uses the placement nearest the transcript's 3' end. VCF-style (leftmost placement, unchanged base first): chr11-116790235-CTGTT-C. GRCh37 (hg19) VCF-style: chr11-116660951-CTGTT-C.
Other names: c.990_993delAACA (NM_052968.5); c.990_993del, p.Asp332fs (NM_001166598.2, NM_052968.5); short protein forms D332fs.
Identifiers: ClinVar variation 978324 (VCV000978324.17), dbSNP rs774150500, ClinGen allele CA6288950.
Genomic context (GRCh38, chr11:116,790,235, plus strand): 5'-TGATGTCTTCCCACAGGTCATCCAGACGGGCCTGCAGCTTGCTCAGAACCTTGCCACTGT[CTGTT>C]TGTTGAAACTCTGGGGCGAAGGCACTGTGGCCTGGTGGAGGTGGCGCCAGCTGCTGCTGG-3'

ClinVar aggregate classification (germline): Pathogenic/Likely pathogenic. Review status: criteria provided, multiple submitters, no conflicts (2 of 4 stars). 8 submissions from 8 submitters: Pathogenic (5); Likely pathogenic (3). Last evaluated 2025-08-05.

Conditions:
Familial type 5 hyperlipoproteinemia. Also called: Hyperlipoproteinemia Type V; HYPERCHYLOMICRONEMIA WITH HYPERPREBETALIPOPROTEINEMIA, FAMILIAL. Identifiers: Orphanet 530849, MedGen C0020481, MONDO:0007762, OMIM 144650.
Hypertriglyceridemia 1. Also called: Hypertriglyceridemia, familial. Identifiers: MedGen C5444012, MONDO:0007788, OMIM 145750.
Cardiovascular phenotype. Identifiers: MedGen CN230736.

Submissions (8):

Ambry Genetics
Classification: Likely pathogenic for Cardiovascular phenotype. Last evaluated: 2025-08-05. Review status: criteria provided, single submitter. Criteria: Ambry Variant Classification Scheme 2023. Collection method: clinical testing. Allele origin: germline.
Comment: The c.990_993delAACA variant, located in coding exon 3 of the APOA5 gene, results from a deletion of 4 nucleotides at nucleotide positions 990 to 993, causing a translational frameshift with a predicted alternate stop codon (p.D332Vfs*5). This alteration occurs at the 3' terminus of theAPOA5 gene, is not expected to trigger nonsense-mediated mRNA decay, and impacts the last 9.6% of the protein. However, premature stop codons are typically deleterious in nature and a significant portion of the protein is affected (Ambry internal data). This variant has been identified in the homozygous state and/or in conjunction with other APOA5 variant(s) in individual(s) with severe hypertriglyceridemia (Mendoza-Barber&aacute; E et al. J Lipid Res, 2013 Mar;54:649-661; Hooper AJ et al. Ann Clin Biochem, 2014 Jul;51:485-9). This variant has also been detected in the heterozygous state in additional hypertriglyceridemia cohorts (Mart&iacute;n-Campos JM et al. Clin Chim Acta, 2014 Feb;429:61-8; Jin JL et al. EBioMedicine, 2018 Dec;38:171-177). This variant is considered to be rare based on population cohorts in the Genome Aggregation Database (gnomAD). Based on the majority of available evidence to date, this variant is likely to be pathogenic.

Labcorp Genetics (formerly Invitae), Labcorp
Classification: Pathogenic. Last evaluated: 2025-03-12. Review status: criteria provided, single submitter. Criteria: Invitae Variant Classification Sherloc (09022015). Collection method: clinical testing. Allele origin: germline.
Comment: This sequence change creates a premature translational stop signal (p.Asp332Valfs*5) in the APOA5 gene. While this is not anticipated to result in nonsense mediated decay, it is expected to disrupt the last 35 amino acid(s) of the APOA5 protein. This variant is present in population databases (rs774150500, gnomAD 0.006%). This premature translational stop signal has been observed in individual(s) with APOA5-related conditions (PMID: 23307945, 24591733, 29748148, 30420299; internal data). In at least one individual the data is consistent with being in trans (on the opposite chromosome) from a pathogenic variant. This variant is also known as p.Q330Q fs X6. Algorithms developed to predict the effect of variants on gene product structure and function are not available or were not evaluated for this variant. Experimental studies have shown that this premature translational stop signal affects APOA5 function (PMID: 23307945). For these reasons, this variant has been classified as Pathogenic.

Molecular Diagnostic Laboratory for Inherited Cardiovascular Disease, Montreal Heart Institute
Classification: Pathogenic for Cardiovascular phenotype. Last evaluated: 2024-05-14. Review status: criteria provided, single submitter. Criteria: ACMG Guidelines, 2015. Collection method: clinical testing. Allele origin: germline. Affected: yes.
Comment: PVS1_mod, PS3_mod, PS4_mod, PM2, PM3, PP5

Victorian Clinical Genetics Services, Murdoch Childrens Research Institute
Classification: Pathogenic for Familial type 5 hyperlipoproteinemia. Last evaluated: 2022-06-24. Review status: criteria provided, single submitter. Criteria: ACMG Guidelines, 2015. Collection method: clinical testing. Allele origin: germline. Inheritance: Autosomal dominant inheritance. Affected: yes.
Comment: Based on the classification scheme VCGS_Germline_v1.3.4, this variant is classified as Pathogenic. Following criteria are met: 0102 - Loss of function is a known mechanism of disease in this gene and is associated with susceptibility to hypertriglyceridemia (MIM#145750) and hyperchylomicronemia (MIM#144650). (I) 0108 - This gene is associated with both recessive and dominant disease. Dominant and recessive inheritance modes have been reported, with biallelic variants associated with severe disease (PMID: 16531747). (I) 0112 - The condition associated with this gene has incomplete penetrance. Unaffected carriers of pathogenic variants have been described (PMID: 16200213). (I) 0205 - Variant is predicted to result in a truncated protein (premature termination codon is NOT located at least 54 nucleotides upstream of the final exon-exon junction) with less than 1/3 of the protein sequence affected. (SP) 0252 - This variant is homozygous. (I) 0302 - Variant is present in gnomAD (v2) <0.001 (2 heterozygotes, 0 homozygotes). (SP) 0600 - Variant truncates the annotated apolipoprotein domain (Pfam). (I) 0704 - Another truncating variant comparable to the one identified in this case has limited previous evidence for pathogenicity. A downstream truncating variant was reported heterozygous in an individual with severe hypertriglyceridaemia (PMID: 21993410). (SP) 0801 - This variant has strong previous evidence of pathogenicity in unrelated individuals. This variant has been reported in heterozygous, homozygous, and compound heterozygous individuals with hypertriglyceridaemia (ClinVar, PMID: 24591733, 24291057, 30420299). (SP) 0905 - No published segregation evidence has been identified for this variant. (I) 1002 - This variant has moderate functional evidence supporting abnormal protein function. Functional assays indicate this variant is stably expressed but has impaired binding to receptors (PMID: 23307945). (SP) 1209 - This variant has been shown to be both maternally and paternally inherited (biallelic). (I)

Mendelics
Classification: Pathogenic for Familial type 5 hyperlipoproteinemia. Last evaluated: 2022-05-04. Review status: criteria provided, single submitter. Criteria: Mendelics Assertion Criteria 2019. Collection method: clinical testing. Allele origin: germline.

Dasa
Classification: Likely pathogenic for Hyperlipoproteinemia type IV. Last evaluated: 2022-02-14. Review status: criteria provided, single submitter. Criteria: ACMG Guidelines, 2015. Collection method: clinical testing. Allele origin: germline. Affected: yes. Observed: 1 variant allele.
Comment: The c.990_993del;p.(Asp332Valfs*5) is a null frameshift variant in the APOA5 gene and predicts alteration of the nonsense-mediate decay - NMD is present in a relevant exon to the transcript - PVS1_moderate. Well-established in vitro or in vivo functional studies supportive of a damaging effect on the gene or gene product (PMID: 23307945) - PS3_supporting. This sequence change has been observed in affected individual(s) and ClinVar contains an entry for this variant (PMID: 24591733; 28951076; 24291057) - PS4_moderate. This variant is not present in population databases (rs774150500, gnomAD; ABraOM no frequency) - PM2. The p.(Asp332Valfs*5) was detected in trans with a pathogenic variant (PMID: 24591733) - PM3. In summary, the currently available evidence indicates that the variant is likely pathogenic.

Cardiovascular Genetics Laboratory, PathWest Laboratory Medicine WA - Fiona Stanley Hospital
Classification: Pathogenic for Familial type 5 hyperlipoproteinemia. Last evaluated: 2021-11-23. Review status: criteria provided, single submitter. Criteria: ACMG Guidelines, 2015. Collection method: clinical testing. Allele origin: germline.
Comment: This variant is predicted to result in a truncated apoA-V missing 10% of the C-terminus. It has previously been described in patients with familial chylomicronaemia syndrome (PMID:24591733, 23307945) and in vitro studies showed that p.Asp332Valfs has impaired binding with the receptors sortilin and SorLA (PMID:23307945).

Juno Genomics, Hangzhou Juno Genomics, Inc
Classification: Likely pathogenic for Hypertriglyceridemia 1; Familial type 5 hyperlipoproteinemia. Review status: criteria provided, single submitter. Criteria: ACMG Guidelines, 2015. Collection method: clinical testing. Allele origin: germline.
Comment: Absent from controls (or at extremely low frequency if recessive) in Genome Aggregation Database.;Null variant in a gene where loss of function (LOF) is a known mechanism of disease.;The prevalence of the variant in affected individuals is significantly increased compared to the prevalence in controls.;Patient's phenotype or family history is highly specific for a disease with a single genetic etiology.;Well-established in vitro or in vivo functional studies supportive of a damaging effect on the gene or gene product.

Literature cited by the submitters: PubMed 23307945 (cited by 5 submitters); PubMed 24291057 (cited by 3 submitters); PubMed 24591733 (cited by 5 submitters); PubMed 30420299 (cited by 3 submitters); PubMed 32041611 (cited by Ambry Genetics); PubMed 38625948 (cited by Ambry Genetics); PubMed 29748148 (cited by Labcorp Genetics (formerly Invitae), Labcorp); PubMed 16200213 (cited by Victorian Clinical Genetics Services, Murdoch Childrens Research Institute); PubMed 16531747 (cited by Victorian Clinical Genetics Services, Murdoch Childrens Research Institute); PubMed 21993410 (cited by Victorian Clinical Genetics Services, Murdoch Childrens Research Institute); PubMed 28951076 (cited by Dasa).